The following is an entry in ClinVar:

NM_145200.5(CABP4):c.340C>A (p.Pro114Thr)

Gene: CABP4 (calcium binding protein 4; plus strand). Cytogenetic location: 11q13.2.
Variant type: single nucleotide variant.
Coding change: c.340C>A on transcript NM_145200.5 (MANE Select); coding-DNA position 340, C replaced by A.
Protein change: p.Pro114Thr; replaces proline 114 with threonine.
Molecular consequence: missense variant. On other transcripts: 5 prime UTR variant (3), non-coding transcript variant (1).
Genome position (GRCh38, 1-based): chr11:67,455,763, C>A. VCF-style: chr11-67455763-C-A. GRCh37 (hg19) VCF-style: chr11-67223234-C-A.
Other names: c.-44C>A (NM_001300895.3); c.-58C>A (NM_001300896.3, NM_001379183.1); short protein forms P114T.
Identifiers: ClinVar variation 1516812 (VCV001516812.8), dbSNP rs746596431, ClinGen allele CA224143327.

ClinVar aggregate classification (germline): Uncertain significance (1 of 4 stars; one submission).

gnomAD v4.1: 18 of 1,588,608 alleles (0.0011%); highest among the groups gnomAD compares: Non-Finnish European, 0.0015%; no homozygotes.

Submission:

Labcorp Genetics (formerly Invitae), Labcorp
Classification: Uncertain significance. Last evaluated: 2025-08-18. Review status: criteria provided, single submitter. Criteria: Invitae Variant Classification Sherloc (09022015). Collection method: clinical testing. Allele origin: germline.
Comment: This sequence change replaces proline, which is neutral and non-polar, with threonine, which is neutral and polar, at codon 114 of the CABP4 protein (p.Pro114Thr). This variant is not present in population databases (gnomAD no frequency). This variant has not been reported in the literature in individuals affected with CABP4-related conditions. ClinVar contains an entry for this variant (Variation ID: 1516812). Invitae Evidence Modeling of protein sequence and biophysical properties (such as structural, functional, and spatial information, amino acid conservation, physicochemical variation, residue mobility, and thermodynamic stability) indicates that this missense variant is not expected to disrupt CABP4 protein function with a negative predictive value of 80%. In summary, the available evidence is currently insufficient to determine the role of this variant in disease. Therefore, it has been classified as a Variant of Uncertain Significance.